The following is an entry in ClinVar:

ClinVar aggregate classification (germline): Uncertain significance (1 of 4 stars; one submission).

Allele frequency attached by ClinVar (database versions not stated): gnomAD exomes below 0.00001.
gnomAD v4.1: 2 of 1,612,634 alleles (0.00012%); highest among the groups gnomAD compares: Non-Finnish European, 0.00017%; no homozygotes.

Submission:

Ambry Genetics
Classification: Uncertain significance. Last evaluated: 2023-03-26. Review status: criteria provided, single submitter. Criteria: Ambry Variant Classification Scheme 2023. Collection method: clinical testing. Allele origin: germline.
Comment: The p.N560Y variant (also known as c.1678A>T), located in coding exon 15 of the RAD54L gene, results from an A to T substitution at nucleotide position 1678. The asparagine at codon 560 is replaced by tyrosine, an amino acid with dissimilar properties. This amino acid position is conserved. In addition, this alteration is predicted to be deleterious by in silico analysis. Since supporting evidence is limited at this time, the clinical significance of this alteration remains unclear.

NM_003579.4(RAD54L):c.1678A>T (p.Asn560Tyr)

Gene: RAD54L (RAD54 like; plus strand). Cytogenetic location: 1p34.1.
Variant type: single nucleotide variant.
Coding change: c.1678A>T on transcript NM_003579.4 (MANE Select); coding-DNA position 1678, A replaced by T.
Protein change: p.Asn560Tyr; replaces asparagine 560 with tyrosine.
Molecular consequence: missense variant.
Genome position (GRCh38, 1-based): chr1:46,274,205, A>T. VCF-style: chr1-46274205-A-T. GRCh37 (hg19) VCF-style: chr1-46739877-A-T.
Other names: c.1678A>T, p.Asn560Tyr (NM_001142548.2); c.1138A>T, p.Asn380Tyr (NM_001370766.1); short protein forms N380Y, N560Y.
Identifiers: ClinVar variation 2561511 (VCV002561511.2), dbSNP rs2525716191, ClinGen allele CA340183708.